The following is an entry in ClinVar:

NM_001360.3(DHCR7):c.88G>A (p.Gly30Ser)

Gene: DHCR7 (7-dehydrocholesterol reductase; minus strand). Cytogenetic location: 11q13.4.
Variant type: single nucleotide variant.
Coding change: c.88G>A on transcript NM_001360.3 (MANE Select); coding-DNA position 88, G replaced by A.
Protein change: p.Gly30Ser; replaces glycine 30 with serine.
Molecular consequence: missense variant.
Genome position (GRCh38, 1-based): chr11:71,444,865, C>T on the plus strand (G>A on the coding strand, the complement: DHCR7 is on the minus strand). VCF-style: chr11-71444865-C-T. GRCh37 (hg19) VCF-style: chr11-71155911-C-T.
Other names: c.88G>A, p.Gly30Ser (NM_001163817.2); short protein forms G30S.
Identifiers: ClinVar variation 1934663 (VCV001934663.6), dbSNP rs1222259994, ClinGen allele CA381696867.

ClinVar aggregate classification (germline): Conflicting classifications of pathogenicity. Review status: criteria provided, conflicting classifications (1 of 4 stars). 2 submissions from 2 submitters: Likely pathogenic (1); Uncertain significance (1). Last evaluated 2024-04-05.

Conditions:
Smith-Lemli-Opitz syndrome (SLOS). Also called: 7-Dehydrocholesterol reductase deficiency; LETHAL ACRODYSGENITAL SYNDROME; POLYDACTYLY, SEX REVERSAL, RENAL HYPOPLASIA, AND UNILOBAR LUNG; RSH SYNDROME; RUTLEDGE LETHAL MULTIPLE CONGENITAL ANOMALY SYNDROME. Identifiers: Orphanet 818, MedGen C0175694, MONDO:0010035, OMIM 270400.

Submissions (2):

Fulgent Genetics
Classification: Uncertain significance for Smith-Lemli-Opitz syndrome. Last evaluated: 2024-04-05. Review status: criteria provided, single submitter. Criteria: ACMG Guidelines, 2015. Collection method: clinical testing. Allele origin: germline.

Labcorp Genetics (formerly Invitae), Labcorp
Classification: Likely pathogenic for Smith-Lemli-Opitz syndrome. Last evaluated: 2023-01-28. Review status: criteria provided, single submitter. Criteria: Invitae Variant Classification Sherloc (09022015). Collection method: clinical testing. Allele origin: germline.
Comment: In summary, the currently available evidence indicates that the variant is pathogenic, but additional data are needed to prove that conclusively. Therefore, this variant has been classified as Likely Pathogenic. This variant disrupts the p.Gly30 amino acid residue in DHCR7. Other variant(s) that disrupt this residue have been determined to be pathogenic (PMID: 17994283, 28250423; Invitae). This suggests that this residue is clinically significant, and that variants that disrupt this residue are likely to be disease-causing. Advanced modeling of protein sequence and biophysical properties (such as structural, functional, and spatial information, amino acid conservation, physicochemical variation, residue mobility, and thermodynamic stability) performed at Invitae indicates that this missense variant is expected to disrupt DHCR7 protein function. This variant has not been reported in the literature in individuals affected with DHCR7-related conditions. This variant is present in population databases (no rsID available, gnomAD 0.003%). This sequence change replaces glycine, which is neutral and non-polar, with serine, which is neutral and polar, at codon 30 of the DHCR7 protein (p.Gly30Ser).

Literature cited by the submitters: PubMed 17994283 (cited by Labcorp Genetics (formerly Invitae), Labcorp); PubMed 28250423 (cited by Labcorp Genetics (formerly Invitae), Labcorp).